The following is an entry in ClinVar:

ClinVar aggregate classification (germline): Uncertain significance. Review status: criteria provided, multiple submitters, no conflicts (2 of 4 stars). 2 submissions from 2 submitters: Uncertain significance (2). Last evaluated 2021-06-05.

Allele frequency attached by ClinVar (database versions not stated): gnomAD 0.00001; gnomAD exomes 0.00001 and 0.00002; ExAC 0.00003; TOPMed 0.00003.
gnomAD v4.1: 12 of 1,609,842 alleles (0.00075%); highest among the groups gnomAD compares: African/African-American, 0.0027%; no homozygotes.

Submissions (2):

Labcorp Genetics (formerly Invitae), Labcorp
Classification: Uncertain significance. Last evaluated: 2021-06-05. Review status: criteria provided, single submitter. Criteria: Invitae Variant Classification Sherloc (09022015). Collection method: clinical testing. Allele origin: germline.
Comment: In summary, the available evidence is currently insufficient to determine the role of this variant in disease. Therefore, it has been classified as a Variant of Uncertain Significance. Algorithms developed to predict the effect of missense changes on protein structure and function (SIFT, PolyPhen-2, Align-GVGD) all suggest that this variant is likely to be disruptive, but these predictions have not been confirmed by published functional studies and their clinical significance is uncertain. This variant has not been reported in the literature in individuals with KIAA1549-related conditions. This variant is present in population databases (rs745381545, ExAC 0.01%). This sequence change replaces arginine with tryptophan at codon 1523 of the KIAA1549 protein (p.Arg1523Trp). The arginine residue is highly conserved and there is a moderate physicochemical difference between arginine and tryptophan.

Blueprint Genetics
Classification: Uncertain significance. Last evaluated: 2019-12-18. Review status: criteria provided, single submitter. Criteria: ACMG Guidelines, 2015. Collection method: clinical testing. Allele origin: germline.

NM_001164665.2(KIAA1549):c.4567C>T (p.Arg1523Trp)

Gene: KIAA1549 (KIAA1549; minus strand). Cytogenetic location: 7q34.
Variant type: single nucleotide variant.
Coding change: c.4567C>T on transcript NM_001164665.2 (MANE Select); coding-DNA position 4567, C replaced by T.
Protein change: p.Arg1523Trp; replaces arginine 1523 with tryptophan.
Molecular consequence: missense variant.
Genome position (GRCh38, 1-based): chr7:138,869,746, G>A on the plus strand (C>T on the coding strand, the complement: KIAA1549 is on the minus strand). VCF-style: chr7-138869746-G-A. GRCh37 (hg19) VCF-style: chr7-138554492-G-A.
Other names: c.4567C>T, p.Arg1523Trp (NM_020910.3); short protein forms R1523W.
Identifiers: ClinVar variation 1497511 (VCV001497511.8), dbSNP rs745381545, ClinGen allele CA4505833.